The following is an entry in ClinVar:

NM_003919.3(SGCE):c.55G>A (p.Gly19Ser)

Gene: SGCE (sarcoglycan epsilon; minus strand). Cytogenetic location: 7q21.3.
Variant type: single nucleotide variant.
Coding change: c.55G>A on transcript NM_003919.3 (MANE Select); coding-DNA position 55, G replaced by A.
Protein change: p.Gly19Ser; replaces glycine 19 with serine.
Molecular consequence: missense variant. On other transcripts: 5 prime UTR variant (4).
Genome position (GRCh38, 1-based): chr7:94,656,044, C>T on the plus strand (G>A on the coding strand, the complement: SGCE is on the minus strand). VCF-style: chr7-94656044-C-T. GRCh37 (hg19) VCF-style: chr7-94285356-C-T.
Other names: c.55G>A, p.Gly19Ser (NM_001099400.2, NM_001099401.2, NM_001301139.2 and 4 more transcripts); c.-203G>A (NM_001346719.2); c.-281G>A (NM_001346720.2, NM_001362808.2); c.-209G>A (NM_001362807.2); short protein forms G19S.
Identifiers: ClinVar variation 285846 (VCV000285846.16), dbSNP rs767335346, ClinGen allele CA4348926.

ClinVar aggregate classification (germline): Uncertain significance. Review status: criteria provided, multiple submitters, no conflicts (2 of 4 stars). 3 submissions from 3 submitters: Uncertain significance (3). Last evaluated 2022-12-31.

Conditions:
Myoclonic dystonia 11 (DYT11). Also called: Myoclonic dystonia; Dystonia 11; Dystonia, alcohol responsive; Hereditary essential myoclonus; SGCE Myoclonus-Dystonia; Myoclonus-Dystonia. Identifiers: Orphanet 36899, MedGen C1834570, MONDO:0008044, OMIM 159900.

Allele frequency attached by ClinVar (database versions not stated): gnomAD exomes 0.00001 and 0.00003; gnomAD below 0.00001 and 0.00001; ExAC 0.00001.
gnomAD v4.1: 18 of 1,613,476 alleles (0.0011%); highest among the groups gnomAD compares: South Asian, 0.02%; no homozygotes.

Submissions (3):

Labcorp Genetics (formerly Invitae), Labcorp
Classification: Uncertain significance for Myoclonic dystonia 11. Last evaluated: 2022-12-31. Review status: criteria provided, single submitter. Criteria: Invitae Variant Classification Sherloc (09022015). Collection method: clinical testing. Allele origin: germline.
Comment: This variant is present in population databases (rs767335346, gnomAD 0.03%). This sequence change replaces glycine, which is neutral and non-polar, with serine, which is neutral and polar, at codon 19 of the SGCE protein (p.Gly19Ser). This missense change has been observed in individual(s) with clinical features of SGCE-related conditions (Invitae). ClinVar contains an entry for this variant (Variation ID: 285846). Algorithms developed to predict the effect of missense changes on protein structure and function (SIFT, PolyPhen-2, Align-GVGD) all suggest that this variant is likely to be tolerated. In summary, the available evidence is currently insufficient to determine the role of this variant in disease. Therefore, it has been classified as a Variant of Uncertain Significance.

Illumina Laboratory Services, Illumina
Classification: Uncertain significance for Myoclonic dystonia 11. Last evaluated: 2017-04-28. Review status: criteria provided, single submitter. Criteria: ICSL Variant Classification Criteria 13 December 2019. Collection method: clinical testing. Allele origin: germline.

Eurofins Ntd Llc (ga)
Classification: Uncertain significance. Last evaluated: 2016-01-29. Review status: criteria provided, single submitter. Criteria: EGL Classification Definitions 2015. Collection method: clinical testing. Allele origin: germline. Observed: 1 variant allele, 1 heterozygote.